The following is an entry in ClinVar:

ClinVar aggregate classification (germline): Uncertain significance (1 of 4 stars; one submission).

Conditions:
Familial thoracic aortic aneurysm and aortic dissection (TAAD). Also called: Thoracic aortic aneurysms and dissections. Identifiers: Orphanet 91387, MedGen C4707243, MONDO:0019625.

gnomAD v4.1: 1 of 1,614,086 alleles (0.000062%); highest among the groups gnomAD compares: African/African-American, 0.0013%; no homozygotes.

Submission:

Ambry Genetics
Classification: Uncertain significance for Familial thoracic aortic aneurysm and aortic dissection. Last evaluated: 2026-07-06. Review status: criteria provided, single submitter. Criteria: Ambry Variant Classification Scheme 2023. Collection method: clinical testing. Allele origin: germline.
Comment: The p.Q880E variant (also known as c.2638C>G), located in coding exon 20 of the MYH11 gene, results from a C to G substitution at nucleotide position 2638. The glutamine at codon 880 is replaced by glutamic acid, an amino acid with highly similar properties. This amino acid position is conserved. In addition, this alteration is predicted to be tolerated by in silico analysis. Based on the available evidence, the clinical significance of this variant remains unclear.

NM_002474.3(MYH11):c.2638C>G (p.Gln880Glu)

Gene: MYH11 (myosin heavy chain 11; minus strand). Cytogenetic location: 16p13.11.
Variant type: single nucleotide variant.
Coding change: c.2638C>G on transcript NM_002474.3 (MANE Select); coding-DNA position 2638, C replaced by G.
Protein change: p.Gln880Glu; replaces glutamine 880 with glutamic acid.
Molecular consequence: missense variant.
Genome position (GRCh38, 1-based): chr16:15,741,774, G>C on the plus strand (C>G on the coding strand, the complement: MYH11 is on the minus strand). VCF-style: chr16-15741774-G-C. GRCh37 (hg19) VCF-style: chr16-15835631-G-C.
Other names: c.2659C>G, p.Gln887Glu (NM_001040113.2, NM_001040114.2); c.2638C>G, p.Gln880Glu (NM_022844.3); short protein forms Q880E, Q887E.
Identifiers: ClinVar variation 5025078 (VCV005025078.1).